The following is an entry in ClinVar:

NM_000038.6(APC):c.2356C>T (p.Arg786Cys)

Gene: APC (APC regulator of Wnt signaling pathway; plus strand). Cytogenetic location: 5q22.2.
Variant type: single nucleotide variant.
Coding change: c.2356C>T on transcript NM_000038.6 (MANE Select); coding-DNA position 2356, C replaced by T.
Protein change: p.Arg786Cys; replaces arginine 786 with cysteine.
Molecular consequence: missense variant.
Genome position (GRCh38, 1-based): chr5:112,837,950, C>T. VCF-style: chr5-112837950-C-T. GRCh37 (hg19) VCF-style: chr5-112173647-C-T.
Other names: c.2356C>T, p.Arg786Cys (NM_001127510.3, NM_001354895.2); c.2302C>T, p.Arg768Cys (NM_001127511.3); c.2410C>T, p.Arg804Cys (NM_001354896.2); c.2386C>T, p.Arg796Cys (NM_001354897.2); c.2281C>T, p.Arg761Cys (NM_001354898.2); c.2272C>T, p.Arg758Cys (NM_001354899.2); c.2233C>T, p.Arg745Cys (NM_001354900.2); c.2179C>T, p.Arg727Cys (NM_001354901.2); and 5 more; short protein forms R786C, R768C, R660C, R745C, R503C, R695C, R761C, R804C.
Identifiers: ClinVar variation 537479 (VCV000537479.22), dbSNP rs1165139414, ClinGen allele CA16026504.

ClinVar aggregate classification (germline): Uncertain significance. Review status: criteria provided, multiple submitters, no conflicts (2 of 4 stars). 6 submissions from 6 submitters: Uncertain significance (6). Last evaluated 2025-12-21.

Conditions:
Hereditary cancer-predisposing syndrome. Also called: Tumor predisposition; Hereditary Cancer Syndrome; Neoplastic Syndromes, Hereditary; Hereditary neoplastic syndrome. Identifiers: Orphanet 140162, MedGen C0027672, MeSH D009386, MONDO:0015356.
Familial adenomatous polyposis 1 (FAP1). Also called: FAMILIAL ADENOMATOUS POLYPOSIS 1, ATTENUATED; POLYPOSIS, ADENOMATOUS INTESTINAL. Identifiers: MedGen C2713442, MONDO:0021056, OMIM 175100. Disease mechanism: loss of function.
APC-related disorder. Also called: APC-related condition.

Allele frequency attached by ClinVar (database versions not stated): gnomAD exomes below 0.00001; TOPMed 0.00001; gnomAD 0.00003 and 0.00004.
gnomAD v4.1: 8 of 1,613,916 alleles (0.0005%); highest among the groups gnomAD compares: African/African-American, 0.0067%; no homozygotes.

Submissions (6):

Ambry Genetics
Classification: Uncertain significance for Hereditary cancer-predisposing syndrome. Last evaluated: 2025-12-21. Review status: criteria provided, single submitter. Criteria: Ambry Variant Classification Scheme 2023. Collection method: clinical testing. Allele origin: germline.
Comment: The p.R786C variant (also known as c.2356C>T), located in coding exon 15 of the APC gene, results from a C to T substitution at nucleotide position 2356. The arginine at codon 786 is replaced by cysteine, an amino acid with highly dissimilar properties. This amino acid position is highly conserved in available vertebrate species. In addition, in silico predictors for this gene do not accurately predict pathogenicity. Since supporting evidence is limited at this time, the clinical significance of this alteration remains unclear.

Labcorp Genetics (formerly Invitae), Labcorp
Classification: Uncertain significance for Familial adenomatous polyposis 1. Last evaluated: 2025-08-07. Review status: criteria provided, single submitter. Criteria: Invitae Variant Classification Sherloc (09022015). Collection method: clinical testing. Allele origin: germline.
Comment: This sequence change replaces arginine, which is basic and polar, with cysteine, which is neutral and slightly polar, at codon 786 of the APC protein (p.Arg786Cys). This variant is present in population databases (no rsID available, gnomAD 0.0009%). This variant has not been reported in the literature in individuals affected with APC-related conditions. ClinVar contains an entry for this variant (Variation ID: 537479). Invitae Evidence Modeling of protein sequence and biophysical properties (such as structural, functional, and spatial information, amino acid conservation, physicochemical variation, residue mobility, and thermodynamic stability) indicates that this missense variant is not expected to disrupt APC protein function with a negative predictive value of 95%. In summary, the available evidence is currently insufficient to determine the role of this variant in disease. Therefore, it has been classified as a Variant of Uncertain Significance.

Baylor Genetics
Classification: Uncertain significance for Familial adenomatous polyposis 1. Last evaluated: 2024-01-18. Review status: criteria provided, single submitter. Criteria: ACMG Guidelines, 2015. Collection method: clinical testing. Allele origin: unknown.

St. Jude Molecular Pathology, St. Jude Children's Research Hospital
Classification: Uncertain significance for Familial adenomatous polyposis 1. Last evaluated: 2023-05-31. Review status: criteria provided, single submitter. Criteria: St. Jude Assertion Criteria 2020. Collection method: clinical testing. Allele origin: germline.
Comment: The APC c.2356C>T (p.Arg786Cys) missense change has a maximum subpopulation frequency of 0.0008% in gnomAD v2.1.1. The in silico tool REVEL is inconclusive about a pathogenic or benign effect of this variant on protein function, and to our knowledge functional studies have not been performed. To our knowledge, this variant has not been reported in individuals with APC-related familial adenomatous polyposis. In summary, the evidence currently available is insufficient to determine the clinical significance of this variant. It has therefore been classified as of uncertain significance.

Color Diagnostics, LLC DBA Color Health
Classification: Uncertain significance for Hereditary cancer-predisposing syndrome. Last evaluated: 2022-12-13. Review status: criteria provided, single submitter. Criteria: ACMG Guidelines, 2015. Collection method: clinical testing. Allele origin: germline.
Comment: This missense variant replaces arginine with cysteine at codon 786 of the APC protein. Computational prediction suggests that this variant may not impact protein structure and function (internally defined REVEL score threshold <= 0.5, PMID: 27666373). To our knowledge, functional studies have not been reported for this variant. This variant has not been reported in individuals affected with APC-related disorders in the literature. This variant has been identified in 1/250740 chromosomes in the general population by the Genome Aggregation Database (gnomAD). The available evidence is insufficient to determine the role of this variant in disease conclusively. Therefore, this variant is classified as a Variant of Uncertain Significance.

PreventionGenetics, part of Exact Sciences
Classification: Uncertain significance for APC-related condition. Last evaluated: 2022-08-24. Review status: criteria provided, single submitter. Criteria: ACMG Guidelines, 2015. Collection method: clinical testing. Allele origin: germline.
Comment: The APC c.2356C>T variant is predicted to result in the amino acid substitution p.Arg786Cys. To our knowledge, this variant has not been reported in the literature. This variant is reported in 0.00088% of alleles in individuals of European (Non-Finnish) descent in gnomAD. At this time, the clinical significance of this variant is uncertain due to the absence of conclusive functional and genetic evidence.